The following is an entry in ClinVar:

NC_000007.14:g.76845597_77008124dup

Genes: LOC123956172 (Sharpr-MPRA regulatory region 3059; plus strand), LOC129389817 (MPRA-validated peak6614 silencer; plus strand), LOC129998701 (ATAC-STARR-seq lymphoblastoid active region 26202; plus strand). Cytogenetic location: 7q11.23.
Variant type: Duplication.
Identifiers: ClinVar variation 157061 (VCV000157061.3).

ClinVar aggregate classification (germline): not provided (0 of 4 stars; one submission).

Conditions:
Normal pregnancy. Identifiers: MedGen C0232989.

Submission:

Institute of Molecular and Cell Biology, University of Tartu
No classification provided. Condition: Normal pregnancy. Review status: no classification provided. Collection method: case-control. Allele origin: unknown. Affected: yes. Study: Kasak2014.
Comment: The study aimed to determine the contribution of copy number variants in the genetic etiology of normal and complicated pregnancies. The samples represented (i) maternal blood DNA drawn from healthy pregnant women during 1st or 2nd trimester and (ii) maternal and paternal blood DNA drawn at term pregnancy cases representing normal and complicated gestations (severe preeclampsia, PE; gestational diabetes, GD; small-for-gestational age newborn, SGA; large-for-gestational age newborn, LGA). We performed CNV calling based on genome-wide genotyping dataset (Illumina HumanOmniExpress-24-v1 BeadChip) by applying three algorithms, QuantiSNP, GADA (Genome Alteration Detection Algorithm) and CNstream in parallel. The acquired CNV calls were merged with HD-CNV (Hotspot Detector for Copy Number Variants) program and only the CNVs predicted by at least two programs, were considered in subsequent analysis.

Literature cited by the submitters: PubMed 25666259.